The following is an entry in ClinVar:

NM_017612.5(ZCCHC8):c.95A>C (p.Lys32Thr)

Gene: ZCCHC8 (zinc finger CCHC-type containing 8; minus strand). Cytogenetic location: 12q24.31.
Variant type: single nucleotide variant.
Coding change: c.95A>C on transcript NM_017612.5 (MANE Select); coding-DNA position 95, A replaced by C.
Protein change: p.Lys32Thr; replaces lysine 32 with threonine.
Molecular consequence: missense variant. On other transcripts: 5 prime UTR variant (3).
Genome position (GRCh38, 1-based): chr12:122,500,746, T>G on the plus strand (A>C on the coding strand, the complement: ZCCHC8 is on the minus strand). VCF-style: chr12-122500746-T-G. GRCh37 (hg19) VCF-style: chr12-122985293-T-G.
Other names: c.95A>C (NM_017612.3); c.95A>C, p.Lys32Thr (NM_001350935.2); c.-829A>C (NM_001350936.2); c.-450A>C (NM_001350937.2); c.-344A>C (NM_001350938.2); short protein forms K32T.
Identifiers: ClinVar variation 1399737 (VCV001399737.8), dbSNP rs762788276, ClinGen allele CA6846536.
Genomic context (GRCh38, chr12:122,500,746, plus strand): 5'-CGCTCCCGTAGCTCCGCGTCGCCGACCCCATTTTCGTCCTCCTCGTCGCCGTCGTCGTCC[T>G]TGAAGCGAGTGTGAACGGGCTTCGGAATCGACTCCTCTGGGTGGTCGAACGGCTCGAAGA-3'
Protein context (NP_060082.2, residues 22-42): SIPKPVHTRF[Lys32Thr]DDDGDEEDEN

ClinVar aggregate classification (germline): Uncertain significance. Review status: criteria provided, multiple submitters, no conflicts (2 of 4 stars). 2 submissions from 2 submitters: Uncertain significance (2). Last evaluated 2024-10-04.

Allele frequency attached by ClinVar (database versions not stated): TOPMed below 0.00001; 1000 Genomes Project 30x 0.00031.
gnomAD v4.1: 71 of 1,587,244 alleles (0.0045%); highest among the groups gnomAD compares: Middle Eastern, 0.017%; no homozygotes.

Submissions (2):

Ambry Genetics
Classification: Uncertain significance. Last evaluated: 2024-10-04. Review status: criteria provided, single submitter. Criteria: Ambry Variant Classification Scheme 2023. Collection method: clinical testing. Allele origin: germline.

Labcorp Genetics (formerly Invitae), Labcorp
Classification: Uncertain significance. Last evaluated: 2024-08-29. Review status: criteria provided, single submitter. Criteria: Invitae Variant Classification Sherloc (09022015). Collection method: clinical testing. Allele origin: germline.
Comment: This sequence change replaces lysine, which is basic and polar, with threonine, which is neutral and polar, at codon 32 of the ZCCHC8 protein (p.Lys32Thr). This variant is present in population databases (rs762788276, gnomAD 0.004%). This variant has not been reported in the literature in individuals affected with ZCCHC8-related conditions. ClinVar contains an entry for this variant (Variation ID: 1399737). An algorithm developed to predict the effect of missense changes on protein structure and function (PolyPhen-2) suggests that this variant is likely to be disruptive. In summary, the available evidence is currently insufficient to determine the role of this variant in disease. Therefore, it has been classified as a Variant of Uncertain Significance.